The following is an entry in ClinVar:

ClinVar aggregate classification (germline): Benign/Likely benign. Review status: criteria provided, multiple submitters, no conflicts (2 of 4 stars). 4 submissions from 4 submitters: Benign (1); Likely benign (3). Last evaluated 2026-01-24.

Conditions:
Severe combined immunodeficiency due to DNA-PKcs deficiency. Also called: IMMUNODEFICIENCY 26 WITH NEUROLOGIC ABNORMALITIES; Immunodeficiency 26 with or without neurologic abnormalities. Identifiers: Orphanet 317425, MedGen C4014833, MONDO:0014423, OMIM 615966.

Allele frequency attached by ClinVar (database versions not stated): ExAC 0.00075; ESP Exome Variant Server 0.00077; 1000 Genomes Project 0.00220; TOPMed 0.00242; gnomAD 0.00250 and 0.00266; 1000 Genomes Project 30x 0.00297.
gnomAD v4.1: 678 of 1,586,956 alleles (0.043%); highest among the groups gnomAD compares: African/African-American, 0.8%; 3 homozygotes.

Submissions (5):

Labcorp Genetics (formerly Invitae), Labcorp
Classification: Benign for Severe combined immunodeficiency due to DNA-PKcs deficiency. Last evaluated: 2026-01-24. Review status: criteria provided, single submitter. Criteria: Invitae Variant Classification Sherloc (09022015). Collection method: clinical testing. Allele origin: germline.

Blueprint Genetics
Classification: Likely benign. Last evaluated: 2024-09-04. Review status: criteria provided, single submitter. Criteria: ACMG Guidelines, 2015. Collection method: clinical testing. Allele origin: germline.

GeneDx
Classification: Likely benign. Last evaluated: 2016-03-22. Review status: criteria provided, single submitter. Criteria: GeneDx Variant Classification (06012015). Collection method: clinical testing. Allele origin: germline. Affected: yes.
Comment: This variant is considered likely benign or benign based on one or more of the following criteria: it is a conservative change, it occurs at a poorly conserved position in the protein, it is predicted to be benign by multiple in silico algorithms, and/or has population frequency not consistent with disease.

Breakthrough Genomics
Classification: Likely benign. Review status: criteria provided, single submitter. Criteria: ACMG Guidelines, 2015. Collection method: not provided. Allele origin: germline. Inheritance: Autosomal recessive inheritance. Affected: yes.

Dr. Peter K. Rogan Lab, Western University
No classification provided (evidence only). Condition: Thymoma. Review status: no classification provided. Collection method: in vitro. Allele origin: not applicable. Functional consequence: retained intron. Not counted in ClinVar's aggregate classification.

NM_006904.7(PRKDC):c.10759-11T>C

Gene: PRKDC (protein kinase, DNA-activated, catalytic subunit; minus strand). Cytogenetic location: 8q11.21.
Variant type: single nucleotide variant.
Coding change: c.10759-11T>C on transcript NM_006904.7 (MANE Select); 11 bases into the intron before coding-DNA position 10759, T replaced by C.
Molecular consequence: intron variant.
Genome position (GRCh38, 1-based): chr8:47,789,060, A>G on the plus strand (T>C on the coding strand, the complement: PRKDC is on the minus strand). VCF-style: chr8-47789060-A-G. GRCh37 (hg19) VCF-style: chr8-48701621-A-G.
Other names: c.10759-11T>C (NM_001081640.2).
Identifiers: ClinVar variation 384915 (VCV000384915.12), dbSNP rs373043773, ClinGen allele CA4739243.